The following is an entry in ClinVar:

ClinVar aggregate classification (germline): Uncertain significance (1 of 4 stars; one submission).

Submission:

Labcorp Genetics (formerly Invitae), Labcorp
Classification: Uncertain significance. Last evaluated: 2023-02-13. Review status: criteria provided, single submitter. Criteria: Invitae Variant Classification Sherloc (09022015). Collection method: clinical testing. Allele origin: germline.
Comment: In summary, the available evidence is currently insufficient to determine the role of this variant in disease. Therefore, it has been classified as a Variant of Uncertain Significance. This sequence change replaces tyrosine, which is neutral and polar, with asparagine, which is neutral and polar, at codon 382 of the ENPP1 protein (p.Tyr382Asn). Advanced modeling of protein sequence and biophysical properties (such as structural, functional, and spatial information, amino acid conservation, physicochemical variation, residue mobility, and thermodynamic stability) performed at Invitae indicates that this missense variant is not expected to disrupt ENPP1 protein function. This variant has not been reported in the literature in individuals affected with ENPP1-related conditions. This variant is not present in population databases (gnomAD no frequency).

NM_006208.3(ENPP1):c.1144T>A (p.Tyr382Asn)

Gene: ENPP1 (ectonucleotide pyrophosphatase/phosphodiesterase 1; plus strand). Cytogenetic location: 6q23.2.
Variant type: single nucleotide variant.
Coding change: c.1144T>A on transcript NM_006208.3 (MANE Select); coding-DNA position 1144, T replaced by A.
Protein change: p.Tyr382Asn; replaces tyrosine 382 with asparagine.
Molecular consequence: missense variant.
Genome position (GRCh38, 1-based): chr6:131,864,918, T>A. VCF-style: chr6-131864918-T-A. GRCh37 (hg19) VCF-style: chr6-132186058-T-A.
Other names: short protein forms Y382N.
Identifiers: ClinVar variation 2836671 (VCV002836671.3), dbSNP rs747265001, ClinGen allele CA365672081.